The following is an entry in ClinVar:

NM_000182.5(HADHA):c.975G>A (p.Gln325=)

Gene: HADHA (hydroxyacyl-CoA dehydrogenase trifunctional multienzyme complex subunit alpha; minus strand). Cytogenetic location: 2p23.3.
Variant type: single nucleotide variant.
Coding change: c.975G>A on transcript NM_000182.5 (MANE Select); coding-DNA position 975, G replaced by A.
Protein change: p.Gln325=; no amino-acid change (glutamine 325 retained).
Molecular consequence: synonymous variant.
Genome position (GRCh38, 1-based): chr2:26,212,570, C>T on the plus strand (G>A on the coding strand, the complement: HADHA is on the minus strand). VCF-style: chr2-26212570-C-T. GRCh37 (hg19) VCF-style: chr2-26435439-C-T.
Identifiers: ClinVar variation 555376 (VCV000555376.7), dbSNP rs751970693, ClinGen allele CA1559729.

ClinVar aggregate classification (germline): Uncertain significance. Review status: criteria provided, single submitter (1 of 4 stars). 2 submissions from 2 submitters: Uncertain significance (1). 1 of the submissions does not count toward it. Last evaluated 2021-09-01.

Conditions:
Mitochondrial trifunctional protein deficiency. Identifiers: Orphanet 746, MedGen C1969443, MONDO:0012172.
Long chain 3-hydroxyacyl-CoA dehydrogenase deficiency. Also called: LCHAD Deficiency; Deficiency of long-chain 3-hydroxyacyl-coenzyme A dehydrogenase. Identifiers: Orphanet 5, MedGen C3711645, MONDO:0012173, OMIM 609016.

Allele frequency attached by ClinVar (database versions not stated): gnomAD exomes below 0.00001; ExAC 0.00001.

Submissions (2):

Labcorp Genetics (formerly Invitae), Labcorp
Classification: Uncertain significance for Mitochondrial trifunctional protein deficiency; Long chain 3-hydroxyacyl-CoA dehydrogenase deficiency. Last evaluated: 2021-09-01. Review status: criteria provided, single submitter. Criteria: Invitae Variant Classification Sherloc (09022015). Collection method: clinical testing. Allele origin: germline.
Comment: This sequence change affects codon 325 of the HADHA mRNA. It is a 'silent' change, meaning that it does not change the encoded amino acid sequence of the HADHA protein. This variant also falls at the last nucleotide of exon 10, which is part of the consensus splice site for this exon. This variant is present in population databases (rs751970693, ExAC 0.001%). This variant has been observed in individual(s) with HADHA-related conditions (PMID: 12237653; Invitae). ClinVar contains an entry for this variant (Variation ID: 555376). Variants that disrupt the consensus splice site are a relatively common cause of aberrant splicing (PMID: 17576681, 9536098). Algorithms developed to predict the effect of sequence changes on RNA splicing suggest that this variant may disrupt the consensus splice site. In summary, the available evidence is currently insufficient to determine the role of this variant in disease. Therefore, it has been classified as a Variant of Uncertain Significance.

Counsyl
Classification: Uncertain significance for Long chain 3-hydroxyacyl-CoA dehydrogenase deficiency. Last evaluated: 2017-12-08. Review status: no assertion criteria provided. Collection method: clinical testing. Allele origin: unknown. Not counted in ClinVar's aggregate classification.

Literature cited by the submitters: PubMed 12237653 (cited by Labcorp Genetics (formerly Invitae), Labcorp); PubMed 17576681 (cited by Labcorp Genetics (formerly Invitae), Labcorp); PubMed 9536098 (cited by Labcorp Genetics (formerly Invitae), Labcorp).